The following is an entry in ClinVar:

NM_000135.4(FANCA):c.1399A>G (p.Lys467Glu)

Gene: FANCA (FA complementation group A; minus strand). Cytogenetic location: 16q24.3.
Variant type: single nucleotide variant.
Coding change: c.1399A>G on transcript NM_000135.4 (MANE Select); coding-DNA position 1399, A replaced by G.
Protein change: p.Lys467Glu; replaces lysine 467 with glutamic acid.
Molecular consequence: missense variant.
Genome position (GRCh38, 1-based): chr16:89,784,925, T>C on the plus strand (A>G on the coding strand, the complement: FANCA is on the minus strand). VCF-style: chr16-89784925-T-C. GRCh37 (hg19) VCF-style: chr16-89851333-T-C.
Other names: c.1399A>G, p.Lys467Glu (NM_001286167.3); short protein forms K467E.
Identifiers: ClinVar variation 2179694 (VCV002179694.2), dbSNP rs777349320, ClinGen allele CA8252345.

ClinVar aggregate classification (germline): Uncertain significance. Review status: criteria provided, multiple submitters, no conflicts (2 of 4 stars). 2 submissions from 2 submitters: Uncertain significance (2). Last evaluated 2022-10-09.

Conditions:
Fanconi anemia (FA). Also called: Fanconi's anemia. Identifiers: Orphanet 84, MedGen C0015625, MeSH D005199, MONDO:0019391.

Allele frequency attached by ClinVar (database versions not stated): ExAC 0.00001; TOPMed 0.00002; gnomAD 0.00003; gnomAD exomes 0.00014.
gnomAD v4.1: 202 of 1,614,026 alleles (0.013%); highest among the groups gnomAD compares: Non-Finnish European, 0.017%; 1 homozygote.

Submissions (2):

Labcorp Genetics (formerly Invitae), Labcorp
Classification: Uncertain significance for Fanconi anemia. Last evaluated: 2022-10-09. Review status: criteria provided, single submitter. Criteria: Invitae Variant Classification Sherloc (09022015). Collection method: clinical testing. Allele origin: germline.
Comment: This sequence change replaces lysine, which is basic and polar, with glutamic acid, which is acidic and polar, at codon 467 of the FANCA protein (p.Lys467Glu). This variant is present in population databases (rs777349320, gnomAD 0.005%). This variant has not been reported in the literature in individuals affected with FANCA-related conditions. Advanced modeling of protein sequence and biophysical properties (such as structural, functional, and spatial information, amino acid conservation, physicochemical variation, residue mobility, and thermodynamic stability) performed at Invitae indicates that this missense variant is expected to disrupt FANCA protein function. In summary, the available evidence is currently insufficient to determine the role of this variant in disease. Therefore, it has been classified as a Variant of Uncertain Significance.

Blueprint Genetics
Classification: Uncertain significance. Last evaluated: 2022-01-25. Review status: criteria provided, single submitter. Criteria: ACMG Guidelines, 2015. Collection method: clinical testing. Allele origin: germline.